The following is an entry in ClinVar:

ClinVar aggregate classification (germline): Conflicting classifications of pathogenicity. Review status: criteria provided, conflicting classifications (1 of 4 stars). 6 submissions from 6 submitters: Likely pathogenic (1); Uncertain significance (4); Likely benign (1). Last evaluated 2025-01-17.

Conditions:
Cardiovascular phenotype. Identifiers: MedGen CN230736.
Cardiomyopathy (CMYO). Also called: Cardiomyopathies. Identifiers: Orphanet 167848, MedGen C0878544, MONDO:0004994, HP:0001638. Inheritance: Various modes of inheritance.
Hypertrophic cardiomyopathy 4. Also called: Familial hypertrophic cardiomyopathy 4. Identifiers: MedGen C1861862, MONDO:0007268, OMIM 115197.
Hypertrophic cardiomyopathy. Also called: HYPERTROPHIC MYOCARDIOPATHY. Identifiers: Orphanet 217569, MedGen C0007194, MeSH D002312, MONDO:0005045, HP:0001639.

Allele frequency attached by ClinVar (database versions not stated): ExAC 0.00009; gnomAD exomes 0.00003 and 0.00008; gnomAD 0.00001; TOPMed 0.00002.
gnomAD v4.1: 20 of 1,612,534 alleles (0.0012%); highest among the groups gnomAD compares: Admixed American, 0.033%; no homozygotes.

Submissions (6):

Labcorp Genetics (formerly Invitae), Labcorp
Classification: Uncertain significance for Hypertrophic cardiomyopathy. Last evaluated: 2025-01-17. Review status: criteria provided, single submitter. Criteria: Invitae Variant Classification Sherloc (09022015). Collection method: clinical testing. Allele origin: germline.
Comment: This sequence change replaces leucine, which is neutral and non-polar, with valine, which is neutral and non-polar, at codon 383 of the MYBPC3 protein (p.Leu383Val). This variant is present in population databases (rs11570077, gnomAD 0.04%), and has an allele count higher than expected for a pathogenic variant. This missense change has been observed in individual(s) with clinical features of MYBPC3-related conditions (PMID: 21520333, 32841044). ClinVar contains an entry for this variant (Variation ID: 181062). An algorithm developed to predict the effect of missense changes on protein structure and function (PolyPhen-2) suggests that this variant is likely to be disruptive. In summary, the available evidence is currently insufficient to determine the role of this variant in disease. Therefore, it has been classified as a Variant of Uncertain Significance.

All of Us Research Program, National Institutes of Health
Classification: Uncertain significance for Hypertrophic cardiomyopathy. Last evaluated: 2024-07-20. Review status: criteria provided, single submitter. Criteria: ACMG Guidelines, 2015. Collection method: clinical testing. Allele origin: germline. Inheritance: Autosomal dominant inheritance. Observed: 4 variant alleles, 4 heterozygotes.
Comment: This missense variant replaces leucine with valine at codon 383 of the MYBPC3 protein. Computational prediction tools indicate that this variant has a deleterious impact on protein structure and function. To our knowledge, functional studies have not been reported for this variant. This variant has been reported in an individual affected with hypertrophic cardiomyopathy (PMID: 32841044). This variant has been identified in 19/246460 chromosomes in the general population by the Genome Aggregation Database (gnomAD). The elevated variant allele frequency in the general population indicates that this variant may not be disease-causing. However, additional studies are necessary to determine the role of this variant in disease conclusively. Therefore, this variant is classified as a Variant of Uncertain Significance.

This study involves interpretation of variants in research participants for the purpose of population health screening. Participant phenotype was not available at the time of variant classification. Additional details can be found in publication PMID: 35346344, PMCID: PMC8962531

Color Diagnostics, LLC DBA Color Health
Classification: Uncertain significance for Cardiomyopathy. Last evaluated: 2024-07-11. Review status: criteria provided, single submitter. Criteria: ACMG Guidelines, 2015. Collection method: clinical testing. Allele origin: germline.
Comment: This missense variant replaces leucine with valine at codon 383 of the MYBPC3 protein. Computational prediction tools indicate that this variant has a deleterious impact on protein structure and function. To our knowledge, functional studies have not been reported for this variant. This variant has been reported in an individual affected with hypertrophic cardiomyopathy (PMID: 32841044). This variant has been identified in 19/246460 chromosomes in the general population by the Genome Aggregation Database (gnomAD). The elevated variant allele frequency in the general population indicates that this variant may not be disease-causing. However, additional studies are necessary to determine the role of this variant in disease conclusively. Therefore, this variant is classified as a Variant of Uncertain Significance.

Ambry Genetics
Classification: Likely benign for Cardiovascular phenotype. Last evaluated: 2021-06-15. Review status: criteria provided, single submitter. Criteria: Ambry Variant Classification Scheme 2023. Collection method: clinical testing. Allele origin: germline.

Mendelics
Classification: Uncertain significance for Hypertrophic cardiomyopathy 4. Last evaluated: 2019-05-28. Review status: criteria provided, single submitter. Criteria: Mendelics Assertion Criteria 2017. Collection method: clinical testing. Allele origin: unknown.

GeneDx
Classification: Likely pathogenic. Last evaluated: 2013-10-21. Review status: criteria provided, single submitter. Criteria: GeneDx Variant Classification (06012015). Collection method: clinical testing. Allele origin: germline. Affected: yes.
Comment: The Leu383Val variant in the MYBPC3 gene has not been reported as a disease-causing mutation or as a benign polymorphism to our knowledge. Although Leu383Val results in a conservative amino acid substitution of one non-polar amino acid with another, it occurs at a residue that is conserved across species. In silico analysis predicts Leu383Val is damaging to the protein structure/function. Mutations in nearby residues (Pro371Arg, His379Pro, Val385Met) have been reported in association with cardiomyopathy, further supporting the functional importance of this region of the protein. Furthermore, the Leu383Val variant was not observed in approximately 6,000 individuals of European and African American ancestry in the NHLBI Exome Sequencing Project, indicating it is not a common benign variant in these populations.In summary, while Leu383Val is a good candidate for a disease-causing mutation, with the clinical and molecular information available at this time we cannot unequivocally determine the clinical significance of this variant. The variant is found in HCM panel(s).

Literature cited by the submitters: PubMed 21520333 (cited by Labcorp Genetics (formerly Invitae), Labcorp); PubMed 32841044 (cited by 3 submitters); PubMed 21310275 (cited by Ambry Genetics); PubMed 25132132 (cited by Ambry Genetics).

NM_000256.3(MYBPC3):c.1147C>G (p.Leu383Val)

Gene: MYBPC3 (myosin binding protein C3; minus strand). Cytogenetic location: 11p11.2.
Variant type: single nucleotide variant.
Coding change: c.1147C>G on transcript NM_000256.3 (MANE Select); coding-DNA position 1147, C replaced by G.
Protein change: p.Leu383Val; replaces leucine 383 with valine.
Molecular consequence: missense variant.
Genome position (GRCh38, 1-based): chr11:47,343,568, G>C on the plus strand (C>G on the coding strand, the complement: MYBPC3 is on the minus strand). VCF-style: chr11-47343568-G-C. GRCh37 (hg19) VCF-style: chr11-47365119-G-C.
Other names: p.L383V:CTG>GTG; c.1147C>G, p.Leu383Val (LRG_386t1); short protein forms L383V.
Identifiers: ClinVar variation 181062 (VCV000181062.17), dbSNP rs11570077, ClinGen allele CA009817.
Genomic context (GRCh38, chr11:47,343,568, plus strand): 5'-TCTCCTGGCCATTCTTGAGCCATTTGACCTCAGCGTCATGGTCAGCCAGTTCCACGGTCA[G>C]CCGGATCTTGTGGCCTTTGCTCACCTGGTAGGCCGGCTCCAGCTTCTTCTGAAAGGCTGA-3'
Protein context (NP_000247.2, residues 373-393): YQVSKGHKIR[Leu383Val]TVELADHDAE